The following is an entry in ClinVar:

NM_014946.4(SPAST):c.1630T>A (p.Tyr544Asn)

Gene: SPAST (spastin; plus strand). Cytogenetic location: 2p22.3.
Variant type: single nucleotide variant.
Coding change: c.1630T>A on transcript NM_014946.4 (MANE Select); coding-DNA position 1630, T replaced by A.
Protein change: p.Tyr544Asn; replaces tyrosine 544 with asparagine.
Molecular consequence: missense variant. On other transcripts: intron variant (1).
Genome position (GRCh38, 1-based): chr2:32,144,950, T>A. VCF-style: chr2-32144950-T-A. GRCh37 (hg19) VCF-style: chr2-32370019-T-A.
Other names: c.1627T>A, p.Tyr543Asn (NM_001363823.2); c.1531T>A, p.Tyr511Asn (NM_001363875.2); c.1534T>A, p.Tyr512Asn (NM_199436.2); c.1520+1535T>A (NM_001377959.1); short protein forms Y512N, Y544N, Y543N, Y511N.
Identifiers: ClinVar variation 4741773 (VCV004741773.1).

ClinVar aggregate classification (germline): Uncertain significance (1 of 4 stars; one submission).

Conditions:
Hereditary spastic paraplegia 4. Also called: Spastic paraplegia 4, autosomal dominant; Spastic Paraplegia 4; Familial spastic paraplegia autosomal dominant 2. Identifiers: Orphanet 100985, MedGen C1866855, MONDO:0008438, OMIM 182601.

gnomAD v4.1: 1 of 1,612,424 alleles (0.000062%); no homozygotes.

Submission:

Labcorp Genetics (formerly Invitae), Labcorp
Classification: Uncertain significance for Hereditary spastic paraplegia 4. Last evaluated: 2025-09-09. Review status: criteria provided, single submitter. Criteria: Invitae Variant Classification Sherloc (09022015). Collection method: clinical testing. Allele origin: germline.
Comment: This sequence change replaces tyrosine, which is neutral and polar, with asparagine, which is neutral and polar, at codon 544 of the SPAST protein (p.Tyr544Asn). This variant is not present in population databases (gnomAD no frequency). This variant has not been reported in the literature in individuals affected with SPAST-related conditions. Invitae Evidence Modeling of protein sequence and biophysical properties (such as structural, functional, and spatial information, amino acid conservation, physicochemical variation, residue mobility, and thermodynamic stability) indicates that this missense variant is expected to disrupt SPAST protein function with a positive predictive value of 80%. In summary, the available evidence is currently insufficient to determine the role of this variant in disease. Therefore, it has been classified as a Variant of Uncertain Significance.